The following is an entry in ClinVar:

ClinVar aggregate classification (germline): Uncertain significance (1 of 4 stars; one submission).

Conditions:
Cardiomyopathy (CMYO). Also called: Cardiomyopathies. Identifiers: Orphanet 167848, MedGen C0878544, MONDO:0004994, HP:0001638. Inheritance: Various modes of inheritance.

gnomAD v4.1: 1 of 1,614,188 alleles (0.000062%); highest among the groups gnomAD compares: Non-Finnish European, 0.000085%; no homozygotes.

Submission:

All of Us Research Program, National Institutes of Health
Classification: Uncertain significance for Cardiomyopathy. Last evaluated: 2024-05-30. Review status: criteria provided, single submitter. Criteria: ACMG Guidelines, 2015. Collection method: clinical testing. Allele origin: germline. Inheritance: Autosomal dominant inheritance. Observed: 1 variant allele, 1 heterozygote.
Comment: This missense variant replaces threonine with arginine at codon 68 of the MYH7 protein. Computational prediction is inconclusive regarding the impact of this variant on protein structure and function (internally defined REVEL score threshold 0.5 < inconclusive < 0.7, PMID: 27666373). To our knowledge, functional studies have not been reported for this variant. This variant has not been reported in individuals affected with MYH7-related disorders in the literature. This variant has not been identified in the general population by the Genome Aggregation Database (gnomAD). The available evidence is insufficient to determine the role of this variant in disease conclusively. Therefore, this variant is classified as a Variant of Uncertain Significance.

This study involves interpretation of variants in research participants for the purpose of population health screening. Participant phenotype was not available at the time of variant classification. Additional details can be found in publication PMID: 35346344, PMCID: PMC8962531

NM_000257.4(MYH7):c.203C>G (p.Thr68Arg)

Gene: MYH7 (myosin heavy chain 7; minus strand). Cytogenetic location: 14q11.2.
Variant type: single nucleotide variant.
Coding change: c.203C>G on transcript NM_000257.4 (MANE Select); coding-DNA position 203, C replaced by G.
Protein change: p.Thr68Arg; replaces threonine 68 with arginine.
Molecular consequence: missense variant.
Genome position (GRCh38, 1-based): chr14:23,433,226, G>C on the plus strand (C>G on the coding strand, the complement: MYH7 is on the minus strand). VCF-style: chr14-23433226-G-C. GRCh37 (hg19) VCF-style: chr14-23902435-G-C.
Other names: c.203C>G, p.Thr68Arg (NM_001407004.1); short protein forms T68R.
Identifiers: ClinVar variation 3387366 (VCV003387366.1).
Genomic context (GRCh38, chr14:23,433,226, plus strand): 5'-TCGATTTTGTCGAACTTGGGTGGGTTCTGCTGCATCACCTGGTCCTCCTTCACGGTCACT[G>C]TCTGCAAGAGCCCCCACCCAAGCCCTCCTGTCAGCCTGGGCTTTCCCTCCTTCCTCAAGA-3'
Protein context (NP_000248.2, residues 58-78): KVTAETEYGK[Thr68Arg]VTVKEDQVMQ